The following is an entry in ClinVar:

ClinVar aggregate classification (germline): Likely benign. Review status: criteria provided, single submitter (1 of 4 stars). 2 submissions from 2 submitters: Likely benign (1). 1 of the submissions does not count toward it. Last evaluated 2025-07-21.

Conditions:
SLC9A3-related disorder. Also called: SLC9A3-related condition.

Allele frequency attached by ClinVar (database versions not stated): gnomAD exomes 0.00003 and 0.00008; ExAC 0.00008; ESP Exome Variant Server 0.00008; gnomAD 0.00011 and 0.00012; TOPMed 0.00015.
gnomAD v4.1: 64 of 1,612,660 alleles (0.004%); highest among the groups gnomAD compares: East Asian, 0.049%; no homozygotes.

Submissions (2):

Labcorp Genetics (formerly Invitae), Labcorp
Classification: Likely benign. Last evaluated: 2025-07-21. Review status: criteria provided, single submitter. Criteria: Invitae Variant Classification Sherloc (09022015). Collection method: clinical testing. Allele origin: germline.

PreventionGenetics, part of Exact Sciences
Classification: Likely benign for SLC9A3-related condition. Last evaluated: 2019-02-16. Review status: no assertion criteria provided. Collection method: clinical testing. Allele origin: germline. Not counted in ClinVar's aggregate classification.
Comment: This variant is classified as likely benign based on ACMG/AMP sequence variant interpretation guidelines (Richards et al. 2015 PMID: 25741868, with internal and published modifications).

NM_004174.4(SLC9A3):c.921G>A (p.Ser307=)

Gene: SLC9A3 (solute carrier family 9 member A3). Cytogenetic location: 5p15.33.
Variant type: single nucleotide variant.
Coding change: c.921G>A on transcript NM_004174.4 (MANE Select); coding-DNA position 921, G replaced by A.
Protein change: p.Ser307=; no amino-acid change (serine 307 retained).
Molecular consequence: synonymous variant.
Genome position (GRCh38, 1-based): chr5:484,531, C>T on the plus strand (G>A on the coding strand, the complement: SLC9A3 is on the minus strand). VCF-style: chr5-484531-C-T. GRCh37 (hg19) VCF-style: chr5-484646-C-T.
Other names: c.921G>A, p.Ser307= (NM_001284351.3); c.921G>A (NM_004174.3).
Identifiers: ClinVar variation 1607356 (VCV001607356.10), dbSNP rs139319603, ClinGen allele CA3176151.